The following is an entry in ClinVar:

NM_000283.4(PDE6B):c.1107+219G>A

Gene: PDE6B (phosphodiesterase 6B; plus strand). Cytogenetic location: 4p16.3.
Variant type: single nucleotide variant.
Coding change: c.1107+219G>A on transcript NM_000283.4 (MANE Select); 219 bases into the intron after coding-DNA position 1107, G replaced by A.
Molecular consequence: intron variant.
Genome position (GRCh38, 1-based): chr4:656,511, G>A. VCF-style: chr4-656511-G-A. GRCh37 (hg19) VCF-style: chr4-650300-G-A.
Other names: NM_001379247.1:c.270+219G>A; c.1107+219G>A (NM_001145291.2); c.270+219G>A (NM_001379246.1, NM_001379247.1, NM_001145292.2 and 1 more transcripts); c.-48-363G>A (NM_001350155.3).
Identifiers: ClinVar variation 2500848 (VCV002500848.1), dbSNP rs1023119774, ClinGen allele CA91083100.

ClinVar aggregate classification (germline): Uncertain significance (1 of 4 stars; one submission).

Conditions:
Retinitis pigmentosa 40 (RP40). Identifiers: Orphanet 791, MedGen C3151107, MONDO:0013429, OMIM 613801.

Allele frequency attached by ClinVar (database versions not stated): gnomAD 0.00010; TOPMed 0.00010.
gnomAD v4.1: 17 of 150,296 alleles (0.011%); highest among the groups gnomAD compares: East Asian, 0.02%; no homozygotes.

Submission:

Broad Center for Mendelian Genomics, Broad Institute of MIT and Harvard
Classification: Uncertain significance for Retinitis pigmentosa 40. Last evaluated: 2023-05-02. Review status: criteria provided, single submitter. Criteria: ACMG Guidelines, 2015. Collection method: curation. Allele origin: germline. Inheritance: Autosomal recessive inheritance.
Comment: Trio genome analysis revealed that this variant was in trans with a variant of uncertain significance (ClinVar Variation ID: 986369). The c.1107+219G>A variant in PDE6B has not been previously reported in individuals with retinitis pigmentosa 40 but has been identified in 0.01% (15/125568) chromosomes by TopMed Bravo (dbSNP ID: rs1023119774). Although this variant has been seen in the general population in a heterozygous state, its frequency is low enough to be consistent with a recessive carrier frequency. This variant is located in the 5' splice region. Computational tools do not suggest an impact to splicing. However, this information is not predictive enough to rule out pathogenicity. In summary, the clinical significance of the c.1107+219G>A variant is uncertain. ACMG/AMP Criteria applied: PM2_Supporting, BP4 (Richards 2015).